The following is an entry in ClinVar:

ClinVar aggregate classification (germline): Conflicting classifications of pathogenicity. Review status: criteria provided, conflicting classifications (1 of 4 stars). 7 submissions from 7 submitters: Uncertain significance (5); Likely benign (1). 1 of the submissions does not count toward it. Last evaluated 2025-08-21.

Conditions:
Hereditary cancer-predisposing syndrome. Also called: Tumor predisposition; Hereditary Cancer Syndrome; Neoplastic Syndromes, Hereditary; Hereditary neoplastic syndrome. Identifiers: Orphanet 140162, MedGen C0027672, MeSH D009386, MONDO:0015356.
Hereditary breast ovarian cancer syndrome. Also called: Breast and ovarian cancer; Hereditary breast and ovarian cancer; Hereditary breast and ovarian cancer syndrome; BRCA1- and BRCA2-Associated Hereditary Breast and Ovarian Cancer; Hereditary breast and ovarian cancer syndrome (HBOC); Hereditary breast and/or ovarian cancer syndrome. Identifiers: Orphanet 145, MedGen C0677776, MeSH D061325, MONDO:0003582. Disease mechanism: loss of function.
Breast-ovarian cancer, familial, susceptibility to, 2 (BROVCA2). Also called: BRCA2 Hereditary Breast and Ovarian Cancer. Identifiers: Orphanet 145, MedGen C2675520, MONDO:0012933, OMIM 612555. Disease mechanism: loss of function.

Submissions (7):

Ambry Genetics
Classification: Uncertain significance for Hereditary cancer-predisposing syndrome. Last evaluated: 2025-08-21. Review status: criteria provided, single submitter. Criteria: Ambry Variant Classification Scheme 2023. Collection method: clinical testing. Allele origin: germline.
Comment: The p.G1840R variant (also known as c.5518G>C), located in coding exon 10 of the BRCA2 gene, results from a G to C substitution at nucleotide position 5518. The glycine at codon 1840 is replaced by arginine, an amino acid with dissimilar properties. This amino acid position is not well conserved in available vertebrate species. In addition, the in silico prediction for this alteration is inconclusive. Since supporting evidence is limited at this time, the clinical significance of this alteration remains unclear.

Labcorp Genetics (formerly Invitae), Labcorp
Classification: Uncertain significance for Hereditary breast ovarian cancer syndrome. Last evaluated: 2025-02-09. Review status: criteria provided, single submitter. Criteria: Invitae Variant Classification Sherloc (09022015). Collection method: clinical testing. Allele origin: germline.
Comment: This sequence change replaces glycine, which is neutral and non-polar, with arginine, which is basic and polar, at codon 1840 of the BRCA2 protein (p.Gly1840Arg). This variant is not present in population databases (gnomAD no frequency). This variant has not been reported in the literature in individuals affected with BRCA2-related conditions. ClinVar contains an entry for this variant (Variation ID: 91416). Invitae Evidence Modeling of protein sequence and biophysical properties (such as structural, functional, and spatial information, amino acid conservation, physicochemical variation, residue mobility, and thermodynamic stability) indicates that this missense variant is not expected to disrupt BRCA2 protein function with a negative predictive value of 95%. In summary, the available evidence is currently insufficient to determine the role of this variant in disease. Therefore, it has been classified as a Variant of Uncertain Significance.

All of Us Research Program, National Institutes of Health
Classification: Uncertain significance for Breast-ovarian cancer, familial, susceptibility to, 2. Last evaluated: 2023-05-31. Review status: criteria provided, single submitter. Criteria: ACMG Guidelines, 2015. Collection method: clinical testing. Allele origin: germline. Inheritance: Autosomal dominant inheritance. Observed: 2 variant alleles, 2 heterozygotes.
Comment: This missense variant replaces glycine with arginine at codon 1840 of the BRCA2 protein. Computational prediction suggests that this variant may not impact protein structure and function (internally defined REVEL score threshold <= 0.5, PMID: 27666373). To our knowledge, functional studies have not been reported for this variant. This variant has not been reported in individuals affected with BRCA2-related disorders in the literature. This variant has not been identified in the general population by the Genome Aggregation Database (gnomAD). The available evidence is insufficient to determine the role of this variant in disease conclusively. Therefore, this variant is classified as a Variant of Uncertain Significance.

This study involves interpretation of variants in research participants for the purpose of population health screening. Participant phenotype was not available at the time of variant classification. Additional details can be found in publication PMID: 35346344, PMCID: PMC8962531

University of Washington Department of Laboratory Medicine, University of Washington
Classification: Likely benign for Hereditary cancer-predisposing syndrome. Last evaluated: 2023-03-23. Review status: criteria provided, single submitter. Criteria: Dines et al. (Genet Med. 2020). Collection method: curation. Allele origin: germline.
Comment: Missense variant in a coldspot region where missense variants are very unlikely to be pathogenic (PMID:31911673).

BRCA2 exon 11 coldspot. Reclassification based on statistical prior probability.

Color Diagnostics, LLC DBA Color Health
Classification: Uncertain significance for Hereditary cancer-predisposing syndrome. Last evaluated: 2022-11-28. Review status: criteria provided, single submitter. Criteria: ACMG Guidelines, 2015. Collection method: clinical testing. Allele origin: germline.
Comment: This missense variant replaces glycine with arginine at codon 1840 of the BRCA2 protein. Computational prediction suggests that this variant may not impact protein structure and function (internally defined REVEL score threshold <= 0.5, PMID: 27666373). To our knowledge, functional studies have not been reported for this variant. This variant has not been reported in individuals affected with BRCA2-related disorders in the literature. This variant has not been identified in the general population by the Genome Aggregation Database (gnomAD). The available evidence is insufficient to determine the role of this variant in disease conclusively. Therefore, this variant is classified as a Variant of Uncertain Significance.

GeneDx
Classification: Uncertain significance. Last evaluated: 2019-09-18. Review status: criteria provided, single submitter. Criteria: GeneDx Variant Classification Process June 2021. Collection method: clinical testing. Allele origin: germline. Affected: yes.
Comment: Not observed in large population cohorts (Lek et al., 2016); In silico analysis, which includes protein predictors and evolutionary conservation, supports a deleterious effect; Has not been previously published as pathogenic or benign to our knowledge; Also known as 5746G>C

Sharing Clinical Reports Project (SCRP)
Classification: Uncertain significance for Breast-ovarian cancer, familial 2. Last evaluated: 2009-12-07. Review status: no assertion criteria provided. Collection method: clinical testing. Allele origin: germline. Not counted in ClinVar's aggregate classification.

NM_000059.4(BRCA2):c.5518G>C (p.Gly1840Arg)

Gene: BRCA2 (BRCA2 DNA repair associated; plus strand). Cytogenetic location: 13q13.1.
Variant type: single nucleotide variant.
Coding change: c.5518G>C on transcript NM_000059.4 (MANE Select); coding-DNA position 5518, G replaced by C.
Protein change: p.Gly1840Arg; replaces glycine 1840 with arginine.
Molecular consequence: missense variant.
Genome position (GRCh38, 1-based): chr13:32,339,873, G>C. VCF-style: chr13-32339873-G-C. GRCh37 (hg19) VCF-style: chr13-32914010-G-C.
Other names: 5746G>C; short protein forms G1840R.
Identifiers: ClinVar variation 91416 (VCV000091416.25), dbSNP rs398122533, ClinGen allele CA022489.
Genomic context (GRCh38, chr13:32,339,873, plus strand): 5'-TGCAAAAATAAAAATGCAGCCATTAAATTGTCCATATCTAATAGTAATAATTTTGAGGTA[G>C]GGCCACCTGCATTTAGGATAGCCAGTGGTAAAATCGTTTGTGTTTCACATGAAACAATTA-3'
Protein context (NP_000050.3, residues 1830-1850): SISNSNNFEV[Gly1840Arg]PPAFRIASGK